The following is an entry in ClinVar:

NM_012414.4(RAB3GAP2):c.3716A>T (p.Glu1239Val)

Gene: RAB3GAP2 (RAB3 GTPase activating non-catalytic protein subunit 2; minus strand). Cytogenetic location: 1q41.
Variant type: single nucleotide variant.
Coding change: c.3716A>T on transcript NM_012414.4 (MANE Select); coding-DNA position 3716, A replaced by T.
Protein change: p.Glu1239Val; replaces glutamic acid 1239 with valine.
Molecular consequence: missense variant.
Genome position (GRCh38, 1-based): chr1:220,153,336, T>A on the plus strand (A>T on the coding strand, the complement: RAB3GAP2 is on the minus strand). VCF-style: chr1-220153336-T-A. GRCh37 (hg19) VCF-style: chr1-220326678-T-A.
Other names: short protein forms E1239V.
Identifiers: ClinVar variation 5040224 (VCV005040224.1).
Genomic context (GRCh38, chr1:220,153,336, plus strand): 5'-AAATCCACAGCTAGAGCTGGCCAATCTTGGTCTTTCCCAAAAGGAGTGGGTGTGGCCTCT[T>A]CTGTGGGATCTTTGACCTTTGTGGCTGAATGTTGGGCCTGGACAGCTGCACTGACAACTT-3'
Protein context (NP_036546.2, residues 1229-1249): HSATKVKDPT[Glu1239Val]EATPTPFGKD

ClinVar aggregate classification (germline): Likely benign (1 of 4 stars; one submission).

gnomAD v4.1: 1 of 1,614,238 alleles (0.000062%); highest among the groups gnomAD compares: Admixed American, 0.0017%; no homozygotes.

Submission:

CeGaT Center for Human Genetics Tuebingen
Classification: Likely benign. Last evaluated: 2026-07-01. Review status: criteria provided, single submitter. Criteria: CeGaT Center For Human Genetics Tuebingen Variant Classification Criteria Version 2. Collection method: clinical testing. Allele origin: germline. Affected: yes. Observed: 1 variant allele.
Comment: RAB3GAP2: BP4